The following is an entry in ClinVar:

NM_001377.3(DYNC2H1):c.12457-13T>C

Gene: DYNC2H1 (dynein cytoplasmic 2 heavy chain 1; plus strand). Cytogenetic location: 11q22.3.
Variant type: single nucleotide variant.
Coding change: c.12457-13T>C on transcript NM_001377.3 (MANE Select); 13 bases into the intron before coding-DNA position 12457, T replaced by C.
Molecular consequence: intron variant.
Genome position (GRCh38, 1-based): chr11:103,455,173, T>C. VCF-style: chr11-103455173-T-C. GRCh37 (hg19) VCF-style: chr11-103325901-T-C.
Other names: c.12478-13T>C (NM_001080463.2).
Identifiers: ClinVar variation 302123 (VCV000302123.14), dbSNP rs537890566, ClinGen allele CA6255571.

ClinVar aggregate classification (germline): Benign/Likely benign. Review status: criteria provided, multiple submitters, no conflicts (2 of 4 stars). 3 submissions from 3 submitters: Benign (1); Likely benign (2). Last evaluated 2026-01-25.

Conditions:
Jeune thoracic dystrophy. Also called: Infantile thoracic dystrophy; Thoracic pelvic phalangeal dystrophy; Jeune's syndrome; Chondroectodermal dysplasia-like syndrome; Short-rib thoracic dysplasia; Jeune syndrome. Identifiers: Orphanet 474, MedGen C0265275, MONDO:0018770.
Asphyxiating thoracic dystrophy 3. Also called: SHORT-RIB THORACIC DYSPLASIA 3 WITH OR WITHOUT POLYDACTYLY; POLYDACTYLY WITH NEONATAL CHONDRODYSTROPHY, TYPE I; SHORT-RIB THORACIC DYSPLASIA 3/6 WITH POLYDACTYLY, DIGENIC; Short rib polydactyly syndrome 2B; Saldino-Noonan Syndrome. Identifiers: Orphanet 474, Orphanet 93269, Orphanet 93270, Orphanet 93271, MedGen C0036069, MONDO:0013127, OMIM 613091.

Allele frequency attached by ClinVar (database versions not stated): gnomAD exomes 0.00016 and 0.00072; gnomAD 0.00017 and 0.00019; TOPMed 0.00043; ExAC 0.00065; 1000 Genomes Project 0.00080.
gnomAD v4.1: 258 of 1,595,518 alleles (0.016%); highest among the groups gnomAD compares: East Asian, 0.54%; 2 homozygotes.

Submissions (3):

Labcorp Genetics (formerly Invitae), Labcorp
Classification: Benign for Jeune thoracic dystrophy. Last evaluated: 2026-01-25. Review status: criteria provided, single submitter. Criteria: Invitae Variant Classification Sherloc (09022015). Collection method: clinical testing. Allele origin: germline.

Blueprint Genetics
Classification: Likely benign. Last evaluated: 2024-11-20. Review status: criteria provided, single submitter. Criteria: ACMG Guidelines, 2015. Collection method: clinical testing. Allele origin: germline.

Illumina Laboratory Services, Illumina
Classification: Likely benign for Asphyxiating thoracic dystrophy 3. Last evaluated: 2018-01-13. Review status: criteria provided, single submitter. Criteria: ICSL Variant Classification Criteria 13 December 2019. Collection method: clinical testing. Allele origin: germline.
Comment: This variant was observed in the ICSL laboratory as part of a predisposition screen in an ostensibly healthy population. It had not been previously curated by ICSL or reported in the Human Gene Mutation Database (HGMD: prior to June 1st, 2018), and was therefore a candidate for classification through an automated scoring system. Utilizing variant allele frequency, disease prevalence and penetrance estimates, and inheritance mode, an automated score was calculated to assess if this variant is too frequent to cause the disease. Based on the score and internal cut-off values, a variant classified as likely benign is not then subjected to further curation. The score for this variant resulted in a classification of likely benign for this disease.